The following is an entry in ClinVar:

NM_000069.3(CACNA1S):c.585C>G (p.Pro195=)

Gene: CACNA1S (calcium voltage-gated channel subunit alpha1 S; minus strand). Cytogenetic location: 1q32.1.
Variant type: single nucleotide variant.
Coding change: c.585C>G on transcript NM_000069.3 (MANE Select); coding-DNA position 585, C replaced by G.
Protein change: p.Pro195=; no amino-acid change (proline 195 retained).
Molecular consequence: synonymous variant.
Genome position (GRCh38, 1-based): chr1:201,091,749, G>C on the plus strand (C>G on the coding strand, the complement: CACNA1S is on the minus strand). VCF-style: chr1-201091749-G-C. GRCh37 (hg19) VCF-style: chr1-201060877-G-C.
Identifiers: ClinVar variation 3349621 (VCV003349621.3).

ClinVar aggregate classification (germline): Likely benign. Review status: criteria provided, multiple submitters, no conflicts (2 of 4 stars). 3 submissions from 3 submitters: Likely benign (2). 1 of the submissions does not count toward it. Last evaluated 2025-08-18.

Conditions:
CACNA1S-related disorder. Also called: CACNA1S-related condition.
Malignant hyperthermia, susceptibility to, 5 (MHS5). Also called: CACNA1S-Related Malignant Hyperthermia Susceptibility. Identifiers: Orphanet 423, MedGen C1866077, MONDO:0011163, OMIM 601887.
Hypokalemic periodic paralysis, type 1. Also called: Hypokalemic Periodic Paralysis Type 1 (AD); HypoPP. Identifiers: Orphanet 681, MedGen C3714580, MONDO:0042979, OMIM 170400.

gnomAD v4.1: 1 of 1,614,118 alleles (0.000062%); highest among the groups gnomAD compares: African/African-American, 0.0013%; no homozygotes.

Submissions (3):

Labcorp Genetics (formerly Invitae), Labcorp
Classification: Likely benign for Hypokalemic periodic paralysis, type 1; Malignant hyperthermia, susceptibility to, 5. Last evaluated: 2025-08-18. Review status: criteria provided, single submitter. Criteria: Invitae Variant Classification Sherloc (09022015). Collection method: clinical testing. Allele origin: germline.

All of Us Research Program, National Institutes of Health
Classification: Likely benign for Malignant hyperthermia, susceptibility to, 5. Last evaluated: 2024-07-29. Review status: criteria provided, single submitter. Criteria: ACMG Guidelines, 2015. Collection method: clinical testing. Allele origin: germline. Inheritance: Autosomal dominant inheritance. Observed: 1 variant allele, 1 heterozygote.
Comment: This study involves interpretation of variants in research participants for the purpose of population health screening. Participant phenotype was not available at the time of variant classification. Additional details can be found in publication PMID: 35346344, PMCID: PMC8962531

PreventionGenetics, part of Exact Sciences
Classification: Likely benign for CACNA1S-related condition. Last evaluated: 2024-03-28. Review status: no assertion criteria provided. Collection method: clinical testing. Allele origin: germline. Not counted in ClinVar's aggregate classification.
Comment: This variant is classified as likely benign based on ACMG/AMP sequence variant interpretation guidelines (Richards et al. 2015 PMID: 25741868, with internal and published modifications).